The following is an entry in ClinVar:

NM_000138.5(FBN1):c.2920C>T (p.Arg974Cys)

Gene: FBN1 (fibrillin 1; minus strand). Cytogenetic location: 15q21.1.
Variant type: single nucleotide variant.
Coding change: c.2920C>T on transcript NM_000138.5 (MANE Select); coding-DNA position 2920, C replaced by T.
Protein change: p.Arg974Cys; replaces arginine 974 with cysteine.
Molecular consequence: missense variant.
Genome position (GRCh38, 1-based): chr15:48,490,013, G>A on the plus strand (C>T on the coding strand, the complement: FBN1 is on the minus strand). VCF-style: chr15-48490013-G-A. GRCh37 (hg19) VCF-style: chr15-48782210-G-A.
Other names: short protein forms R974C.
Identifiers: ClinVar variation 39667 (VCV000039667.35), dbSNP rs397514558, ClinGen allele CA013513.

ClinVar aggregate classification (germline): Pathogenic/Likely pathogenic. Review status: criteria provided, multiple submitters, no conflicts (2 of 4 stars). 14 submissions from 13 submitters: Pathogenic (10); Likely pathogenic (1). 3 of the submissions do not count toward it. Last evaluated 2026-01-31.

Conditions:
Marfan syndrome (MFS). Also called: FBN1-Related Marfan Syndrome; Marfan syndrome, classic; MARFAN SYNDROME, TYPE I; Marfan syndrome type 1; Marfan's syndrome. Identifiers: Orphanet 284963, Orphanet 558, MedGen C0024796, MONDO:0007947, OMIM 154700.
Familial thoracic aortic aneurysm and aortic dissection (TAAD). Also called: Thoracic aortic aneurysms and dissections. Identifiers: Orphanet 91387, MedGen C4707243, MONDO:0019625.
Marfan Syndrome/Loeys-Dietz Syndrome/Familial Thoracic Aortic Aneurysms and Dissections. Identifiers: MedGen CN229799.
Ectopia lentis 1, isolated, autosomal dominant (ECTOL1). Identifiers: Orphanet 1885, MedGen C3541518, MONDO:0007514, OMIM 129600.
FBN1-related disorder. Also called: FBN1-related disorders.

Allele frequency attached by ClinVar (database versions not stated): TOPMed below 0.00001; gnomAD 0.00001.
gnomAD v4.1: 1 of 1,613,962 alleles (0.000062%); highest among the groups gnomAD compares: Non-Finnish European, 0.000085%; no homozygotes.

Submissions 1 to 7 of 14:

Labcorp Genetics (formerly Invitae), Labcorp
Classification: Pathogenic for Marfan syndrome; Familial thoracic aortic aneurysm and aortic dissection. Last evaluated: 2026-01-31. Review status: criteria provided, single submitter. Criteria: Invitae Variant Classification Sherloc (09022015). Collection method: clinical testing. Allele origin: germline.
Comment: This sequence change replaces arginine, which is basic and polar, with cysteine, which is neutral and slightly polar, at codon 974 of the FBN1 protein (p.Arg974Cys). This variant is not present in population databases (gnomAD no frequency). This missense change has been observed in individuals with isolated ectopia lentis and Marfan syndrome (PMID: 17627385, 17657824, 22539873). It has also been observed to segregate with disease in related individuals. ClinVar contains an entry for this variant (Variation ID: 39667). Invitae Evidence Modeling of protein sequence and biophysical properties (such as structural, functional, and spatial information, amino acid conservation, physicochemical variation, residue mobility, and thermodynamic stability) indicates that this missense variant is expected to disrupt FBN1 protein function with a positive predictive value of 95%. For these reasons, this variant has been classified as Pathogenic.

GeneDx
Classification: Pathogenic. Last evaluated: 2025-02-13. Review status: criteria provided, single submitter. Criteria: GeneDx Variant Classification Process June 2021. Collection method: clinical testing. Allele origin: germline. Affected: yes.
Comment: Not observed at significant frequency in large population cohorts (gnomAD); Affects a cysteine residue within a TGF-binding protein domain (aka TB domain or 8-Cysteine domain) and is expected to disrupt disulfide bonding within this domain; other missense substitutions that affect cysteine residues within TGF-binding protein domains have been reported in association with FBN1-related disorders (PMIDs: 8281141, 21175431, 7622614; HGMD); In silico analysis supports that this missense variant has a deleterious effect on protein structure/function; This variant is associated with the following publications: (PMID: 31589614, 7622614, 8281141, 21175431, 22539873, 38190127, 36729443, 38958168, 34281902, 17657824)

All of Us Research Program, National Institutes of Health
Classification: Pathogenic for Marfan syndrome. Last evaluated: 2024-03-14. Review status: criteria provided, single submitter. Criteria: ACMG Guidelines, 2015. Collection method: clinical testing. Allele origin: germline. Inheritance: Autosomal dominant inheritance. Observed: 1 variant allele, 1 heterozygote.
Comment: This missense variant replaces arginine with cysteine at codon 974 in the TGFbeta-like motif 5 of the FBN1 protein. Cysteine creating variants in TGF-beta binding domains have been shown to affect protein stability and are overrepresented among individuals with Marfan syndrome (PMID: 15161917, 16571647, 17701892). Computational prediction suggests that this variant may have deleterious impact on protein structure and function (internally defined REVEL score threshold >= 0.7, PMID: 27666373). To our knowledge, functional studies have not been reported for this variant. This variant has been reported in individuals affected with Marfan syndrome or isolated ectopia lentis (PMID: 17627385, 17657824, 22539873, 25053872, 28941062, 34140103, 34281902, ClinVar SCV000845663.2). This variant has been shown to segregate with isolated ectopia lentis in one of the families (PMID: 22539873). This variant has not been identified in the general population by the Genome Aggregation Database (gnomAD). Based on the available evidence, this variant is classified as Pathogenic.

This study involves interpretation of variants in research participants for the purpose of population health screening. Participant phenotype was not available at the time of variant classification. Additional details can be found in publication PMID: 35346344, PMCID: PMC8962531

Color Diagnostics, LLC DBA Color Health
Classification: Pathogenic for Familial thoracic aortic aneurysm and aortic dissection. Last evaluated: 2023-11-16. Review status: criteria provided, single submitter. Criteria: ACMG Guidelines, 2015. Collection method: clinical testing. Allele origin: germline.
Comment: This missense variant replaces arginine with cysteine at codon 974 in the TGFbeta-like motif 5 of the FBN1 protein. Cysteine creating variants in TGF-beta binding domains have been shown to affect protein stability and are overrepresented among individuals with Marfan syndrome (PMID: 15161917, 16571647, 17701892). Computational prediction suggests that this variant may have deleterious impact on protein structure and function (internally defined REVEL score threshold >= 0.7, PMID: 27666373). To our knowledge, functional studies have not been reported for this variant. This variant has been reported in individuals affected with Marfan syndrome or isolated ectopia lentis (PMID: 17627385, 17657824, 22539873, 25053872, 28941062, 34140103, 34281902, ClinVar SCV000845663.2). This variant has been shown to segregate with isolated ectopia lentis in one of the families (PMID: 22539873). This variant has not been identified in the general population by the Genome Aggregation Database (gnomAD). Based on the available evidence, this variant is classified as Pathogenic.

Women's Health and Genetics/Laboratory Corporation of America, LabCorp
Classification: Pathogenic for Marfan Syndrome/Loeys-Dietz Syndrome/Familial Thoracic Aortic Aneurysms and Dissections. Last evaluated: 2023-02-06. Review status: criteria provided, single submitter. Criteria: LabCorp Variant Classification Summary - May 2015. Collection method: clinical testing. Allele origin: germline.
Comment: Variant summary: FBN1 c.2920C>T (p.Arg974Cys) results in a non-conservative amino acid change located in the TB domain (IPR017878) of the encoded protein sequence. Five of five in-silico tools predict a damaging effect of the variant on protein function. The variant was absent in 251458 control chromosomes. c.2920C>T has been reported in the literature in multiple individuals affected with Marfan Syndrome (e.g. Comeglio_2007, Howarth_2007, Li_2014, Vatti_2017, Lopez-Sainz_2021). The variant has also been reported to cosegregate with disease in families with an Ectopia Lentis phenotype without other reported symptoms of Marfan Syndrome (Yang_2012, Chen_2022). These data indicate that the variant is very likely to be associated with disease. To our knowledge, no experimental evidence demonstrating an impact on protein function has been reported. Eight (other) submitters have provided clinical-significance assessments for this variant to ClinVar after 2014, and classified the variant as pathogenic/likely pathogenic. Based on the evidence outlined above, the variant was classified as pathogenic.

Blueprint Genetics
Classification: Pathogenic for FBN1-related disorders. Last evaluated: 2022-06-30. Review status: criteria provided, single submitter. Criteria: ACMG Guidelines, 2015. Collection method: clinical testing. Allele origin: germline. Affected: yes. Observed: 1 variant allele.

Ambry Genetics
Classification: Pathogenic for Familial thoracic aortic aneurysm and aortic dissection. Last evaluated: 2021-04-19. Review status: criteria provided, single submitter. Criteria: Ambry Variant Classification Scheme 2023. Collection method: clinical testing. Allele origin: germline.
Comment: The p.R974C pathogenic mutation (also known as c.2920C>T), located in coding exon 24 of the FBN1 gene, results from a C to T substitution at nucleotide position 2920. The arginine at codon 974 is replaced by cysteine, an amino acid with highly dissimilar properties, and is located in the TGFBP#03 domain. The majority of FBN1 mutations identified to date have involved the substitution or generation of cysteine residues (Collod-B&eacute;roud G et al. Hum. Mut. 2003:22(3):199-208). This particular mutation has been reported in a number of Marfan syndrome (MFS) and ectopia lentis (EL) cohorts (Comeglio P et al. Hum. Mutat. 2007;28:928; Howarth R et al. Genet. Test. 2007;11:146-52; Stheneur C et al. Eur. J. Hum. Genet. 2009;17:1121-8; Li J et al. Mol. Vis. 2014;20:1017-24; Vatti L et al. Am. J. Med. Genet. A. 2017;173:2995-3002). This variant also segregated with ectopia lentis in one large Chinese family (Yang G et al. Mol. Vis. 2012;18:945-50). Based on the supporting evidence, this alteration is interpreted as a disease-causing mutation.